The following is an entry in ClinVar:

ClinVar aggregate classification (germline): Uncertain significance (1 of 4 stars; one submission).

Conditions:
Hereditary cancer-predisposing syndrome. Also called: Tumor predisposition; Neoplastic Syndromes, Hereditary; Hereditary Cancer Syndrome; Hereditary neoplastic syndrome. Identifiers: Orphanet 140162, MedGen C0027672, MeSH D009386, MONDO:0015356.

Allele frequency attached by ClinVar (database versions not stated): gnomAD exomes below 0.00001; TOPMed 0.00001; ExAC 0.00002.
gnomAD v4.1: 3 of 1,614,038 alleles (0.00019%); highest among the groups gnomAD compares: Admixed American, 0.0017%; no homozygotes.

Submission:

Ambry Genetics
Classification: Uncertain significance for Hereditary cancer-predisposing syndrome. Last evaluated: 2022-03-26. Review status: criteria provided, single submitter. Criteria: Ambry Variant Classification Scheme 2023. Collection method: clinical testing. Allele origin: germline.
Comment: The p.A105T variant (also known as c.313G>A), located in coding exon 1 of the MET gene, results from a G to A substitution at nucleotide position 313. The alanine at codon 105 is replaced by threonine, an amino acid with similar properties. This amino acid position is conserved. In addition, this alteration is predicted to be tolerated by in silico analysis. Since supporting evidence is limited at this time, the clinical significance of this alteration remains unclear.

NM_000245.4(MET):c.313G>A (p.Ala105Thr)

Gene: MET (MET proto-oncogene, receptor tyrosine kinase; plus strand). Cytogenetic location: 7q31.2.
Variant type: single nucleotide variant.
Coding change: c.313G>A on transcript NM_000245.4 (MANE Select); coding-DNA position 313, G replaced by A.
Protein change: p.Ala105Thr; replaces alanine 105 with threonine.
Molecular consequence: missense variant. On other transcripts: intron variant (1).
Genome position (GRCh38, 1-based): chr7:116,699,397, G>A. VCF-style: chr7-116699397-G-A. GRCh37 (hg19) VCF-style: chr7-116339451-G-A.
Other names: c.313G>A, p.Ala105Thr (NM_001127500.3, NM_001324401.3); c.-91+26820G>A (NM_001324402.2); short protein forms A105T.
Identifiers: ClinVar variation 1728072 (VCV001728072.2), dbSNP rs774585404, ClinGen allele CA4447975.